The following is an entry in ClinVar:

NM_001061.7(TBXAS1):c.1057G>T (p.Ala353Ser)

Gene: TBXAS1 (thromboxane A synthase 1; plus strand). Cytogenetic location: 7q34.
Variant type: single nucleotide variant.
Coding change: c.1057G>T on transcript NM_001061.7 (MANE Select); coding-DNA position 1057, G replaced by T.
Protein change: p.Ala353Ser; replaces alanine 353 with serine.
Molecular consequence: missense variant.
Genome position (GRCh38, 1-based): chr7:139,962,156, G>T. VCF-style: chr7-139962156-G-T. GRCh37 (hg19) VCF-style: chr7-139661955-G-T.
Other names: c.1060G>T (NM_001061.4); c.1195G>T, p.Ala399Ser (NM_001166253.4); c.856G>T, p.Ala286Ser (NM_001166254.4); c.1000G>T, p.Ala334Ser (NM_001314028.4); c.874G>T, p.Ala292Ser (NM_001366537.3); c.1057G>T, p.Ala353Ser (NM_030984.6, NM_001130966.5); short protein forms A334S, A353S, A399S, A286S, A292S.
Identifiers: ClinVar variation 1481769 (VCV001481769.8), dbSNP rs145733169, ClinGen allele CA4511875.

ClinVar aggregate classification (germline): Conflicting classifications of pathogenicity. Review status: criteria provided, conflicting classifications (1 of 4 stars). 3 submissions from 3 submitters: Uncertain significance (2); Likely benign (1). Last evaluated 2026-07-01.

Conditions:
Inborn genetic diseases. Identifiers: MedGen C0950123, MeSH D030342.

Allele frequency attached by ClinVar (database versions not stated): gnomAD exomes 0.00009 and 0.00027; ExAC 0.00012; gnomAD 0.00013 and 0.00014; ESP Exome Variant Server 0.00015; TOPMed 0.00019; 1000 Genomes Project 0.00020; 1000 Genomes Project 30x 0.00031.
gnomAD v4.1: 405 of 1,614,136 alleles (0.025%); highest among the groups gnomAD compares: Non-Finnish European, 0.033%; no homozygotes.

Submissions (3):

CeGaT Center for Human Genetics Tuebingen
Classification: Likely benign. Last evaluated: 2026-07-01. Review status: criteria provided, single submitter. Criteria: CeGaT Center For Human Genetics Tuebingen Variant Classification Criteria Version 2. Collection method: clinical testing. Allele origin: germline. Affected: yes. Observed: 1 variant allele.
Comment: TBXAS1: BP4

Ambry Genetics
Classification: Uncertain significance for Inborn genetic diseases. Last evaluated: 2025-11-08. Review status: criteria provided, single submitter. Criteria: Ambry Variant Classification Scheme 2023. Collection method: clinical testing. Allele origin: germline.

Labcorp Genetics (formerly Invitae), Labcorp
Classification: Uncertain significance. Last evaluated: 2022-08-04. Review status: criteria provided, single submitter. Criteria: Invitae Variant Classification Sherloc (09022015). Collection method: clinical testing. Allele origin: germline.
Comment: This sequence change replaces alanine, which is neutral and non-polar, with serine, which is neutral and polar, at codon 354 of the TBXAS1 protein (p.Ala354Ser). This variant is present in population databases (rs145733169, gnomAD 0.02%). This variant has not been reported in the literature in individuals affected with TBXAS1-related conditions. ClinVar contains an entry for this variant (Variation ID: 1481769). Algorithms developed to predict the effect of missense changes on protein structure and function are either unavailable or do not agree on the potential impact of this missense change (SIFT: "Tolerated"; PolyPhen-2: "Possibly Damaging"; Align-GVGD: "Class C0"). In summary, the available evidence is currently insufficient to determine the role of this variant in disease. Therefore, it has been classified as a Variant of Uncertain Significance.